The following is an entry in ClinVar:

ClinVar aggregate classification (germline): Uncertain significance (1 of 4 stars; one submission).

Allele frequency attached by ClinVar (database versions not stated): ExAC 0.00001; gnomAD 0.00001; gnomAD exomes 0.00001; TOPMed 0.00002.
gnomAD v4.1: 6 of 1,613,974 alleles (0.00037%); highest among the groups gnomAD compares: East Asian, 0.013%; no homozygotes.

Submission:

Labcorp Genetics (formerly Invitae), Labcorp
Classification: Uncertain significance. Last evaluated: 2024-10-16. Review status: criteria provided, single submitter. Criteria: Invitae Variant Classification Sherloc (09022015). Collection method: clinical testing. Allele origin: germline.
Comment: This sequence change replaces serine, which is neutral and polar, with arginine, which is basic and polar, at codon 662 of the IMPG2 protein (p.Ser662Arg). This variant is present in population databases (rs772764177, gnomAD 0.01%). This variant has not been reported in the literature in individuals affected with IMPG2-related conditions. ClinVar contains an entry for this variant (Variation ID: 1518739). Invitae Evidence Modeling of protein sequence and biophysical properties (such as structural, functional, and spatial information, amino acid conservation, physicochemical variation, residue mobility, and thermodynamic stability) indicates that this missense variant is not expected to disrupt IMPG2 protein function with a negative predictive value of 80%. In summary, the available evidence is currently insufficient to determine the role of this variant in disease. Therefore, it has been classified as a Variant of Uncertain Significance.

NM_016247.4(IMPG2):c.1984A>C (p.Ser662Arg)

Gene: IMPG2 (interphotoreceptor matrix proteoglycan 2; minus strand). Cytogenetic location: 3q12.3.
Variant type: single nucleotide variant.
Coding change: c.1984A>C on transcript NM_016247.4 (MANE Select); coding-DNA position 1984, A replaced by C.
Protein change: p.Ser662Arg; replaces serine 662 with arginine.
Molecular consequence: missense variant.
Genome position (GRCh38, 1-based): chr3:101,244,347, T>G on the plus strand (A>C on the coding strand, the complement: IMPG2 is on the minus strand). VCF-style: chr3-101244347-T-G. GRCh37 (hg19) VCF-style: chr3-100963191-T-G.
Other names: short protein forms S662R.
Identifiers: ClinVar variation 1518739 (VCV001518739.5), dbSNP rs772764177, ClinGen allele CA2519061.